The following is an entry in ClinVar:

NM_000531.6(OTC):c.190A>T (p.Lys64Ter)

Gene: OTC (ornithine transcarbamylase; plus strand). Cytogenetic location: Xp11.4.
Variant type: single nucleotide variant.
Coding change: c.190A>T on transcript NM_000531.6 (MANE Select); coding-DNA position 190, A replaced by T.
Protein change: p.Lys64Ter; replaces lysine 64 with a stop codon.
Molecular consequence: nonsense.
Genome position (GRCh38, 1-based): chrX:38,367,403, A>T. VCF-style: chrX-38367403-A-T. GRCh37 (hg19) VCF-style: chrX-38226656-A-T.
Other names: c.190A>T, p.Lys64Ter (NM_001407092.1); short protein forms K64*.
Identifiers: ClinVar variation 3722022 (VCV003722022.2).

ClinVar aggregate classification (germline): Pathogenic (1 of 4 stars; one submission).

Conditions:
Ornithine carbamoyltransferase deficiency (OTCD). Also called: OTC DEFICIENCY; ORNITHINE TRANSCARBAMYLASE DEFICIENCY; ORNITHINE TRANSCARBAMYLASE DEFICIENCY, HYPERAMMONEMIA DUE TO; Ornithine Carbamoyltransferase Deficiency Disease. Identifiers: Orphanet 664, MedGen C0268542, MONDO:0010703, OMIM 311250.

Submission:

Labcorp Genetics (formerly Invitae), Labcorp
Classification: Pathogenic for Ornithine carbamoyltransferase deficiency. Last evaluated: 2024-10-02. Review status: criteria provided, single submitter. Criteria: Invitae Variant Classification Sherloc (09022015). Collection method: clinical testing. Allele origin: germline.
Comment: This sequence change creates a premature translational stop signal (p.Lys64*) in the OTC gene. It is expected to result in an absent or disrupted protein product. Loss-of-function variants in OTC are known to be pathogenic (PMID: 10946359, 16786505). This variant is not present in population databases (gnomAD no frequency). This variant has not been reported in the literature in individuals affected with OTC-related conditions. For these reasons, this variant has been classified as Pathogenic.

Literature cited by the submitters: PubMed 10946359; PubMed 16786505.